The following is an entry in ClinVar:

NM_001267550.2(TTN):c.97179_97183del (p.Lys32393fs)

Genes: TTN (titin; minus strand), TTN-AS1 (TTN antisense RNA 1; plus strand), LOC129935186 (ATAC-STARR-seq lymphoblastoid active region 16811; plus strand). Cytogenetic location: 2q31.2.
Variant type: Deletion.
Coding change: c.97179_97183del on transcript NM_001267550.2 (MANE Select); coding-DNA positions 97179 to 97183, 5 bases deleted (AGTTA; older notation c.97179_97183delAGTTA).
Protein change: p.Lys32393fs; shifts the reading frame from lysine 32393.
Molecular consequence: frameshift variant.
Genome position (GRCh38, 1-based): chr2:178,542,671-178,542,675, TAACT deleted on the plus strand (AGTTA on the coding strand, the reverse complement: TTN is on the minus strand); deleting any 5 consecutive bases within chr2:178,542,671-178,542,676 gives the same sequence; the c. name uses the placement nearest the transcript's 3' end. VCF-style (leftmost placement, unchanged base first): chr2-178542670-ATAACT-A. GRCh37 (hg19) VCF-style: chr2-179407397-ATAACT-A.
Other names: c.69984_69988delAGTTA (NM_003319.4); c.92256_92260del, p.Lys30752fs (NM_001256850.1); c.69984_69988del, p.Lys23328fs (NM_003319.4); c.89475_89479del, p.Lys29825fs (NM_133378.4); c.70359_70363del, p.Lys23453fs (NM_133432.3); c.70560_70564del, p.Lys23520fs (NM_133437.4); short protein forms K23520fs, K29825fs, K23328fs, K23453fs, K30752fs, K32393fs.
Identifiers: ClinVar variation 2014954 (VCV002014954.5), dbSNP rs2468899981, ClinGen allele CA2580064593.

ClinVar aggregate classification (germline): Likely pathogenic. Review status: criteria provided, multiple submitters, no conflicts (2 of 4 stars). 2 submissions from 2 submitters: Likely pathogenic (2). Last evaluated 2026-04-17.

Conditions:
Cardiovascular phenotype. Identifiers: MedGen CN230736.
Autosomal recessive limb-girdle muscular dystrophy type 2J (LGMDR10). Also called: Limb-girdle muscular dystrophy, type 2J; MUSCULAR DYSTROPHY, LIMB-GIRDLE, AUTOSOMAL RECESSIVE 10. Identifiers: Orphanet 140922, MedGen C1837342, MONDO:0012127, OMIM 608807.
Dilated cardiomyopathy 1G (CMD1G). Identifiers: Orphanet 154, MedGen C1858763, MONDO:0011400, OMIM 604145.

Submissions (2):

Ambry Genetics
Classification: Likely pathogenic for Cardiovascular phenotype. Last evaluated: 2026-04-17. Review status: criteria provided, single submitter. Criteria: Ambry Variant Classification Scheme 2023. Collection method: clinical testing. Allele origin: germline.
Comment: The c.69984_69988delAGTTA variant, located in coding exon 175 of the TTN gene, results from a deletion of 5 nucleotides at nucleotide positions 69984 to 69988, causing a translational frameshift with a predicted alternate stop codon (p.K23328Nfs*4). This exon is located in the A-band region of the N2-B isoform of the titin protein and is constitutively expressed in TTN transcripts (percent spliced in or PSI 100%). This variant is considered to be rare based on population cohorts in the Genome Aggregation Database (gnomAD). This variant is expected to result in loss of function by premature protein truncation or nonsense-mediated mRNA decay. While truncating variants in TTN are present in 1-3% of the general population, truncating variants in the A-band are the most common cause of dilated cardiomyopathy (Herman DS et al. N. Engl. J. Med., 2012 Feb;366:619-28; Roberts AM et al. Sci Transl Med, 2015 Jan;7:270ra6). TTN truncating variants encoded in constitutive exons (PSI >90%) have been found to be significantly associated with DCM regardless of their position in titin (Schafer S et al. Nat. Genet., 2017 01;49:46-53; Akhtar MM et al. Circ Heart Fail, 2020 Oct;13:e006832; Massier M et al. Clin Genet, 2025 Jan). Based on the majority of available evidence to date, this variant is likely to be pathogenic.

Labcorp Genetics (formerly Invitae), Labcorp
Classification: Likely pathogenic for Dilated cardiomyopathy 1G; Autosomal recessive limb-girdle muscular dystrophy type 2J. Last evaluated: 2022-07-08. Review status: criteria provided, single submitter. Criteria: Invitae Variant Classification Sherloc (09022015). Collection method: clinical testing. Allele origin: germline.
Comment: This sequence change creates a premature translational stop signal (p.Lys32393Asnfs*4) in the TTN gene. While this is not anticipated to result in nonsense mediated decay, it is expected to create a truncated TTN protein. This variant is not present in population databases (gnomAD no frequency). This variant has not been reported in the literature in individuals affected with TTN-related conditions. This variant is located in the A band of TTN (PMID: 25589632). Truncating variants in this region are significantly overrepresented in patients affected with dilated cardiomyopathy (PMID: 25589632). Truncating variants in this region have also been reported in individuals affected with autosomal recessive centronuclear myopathy (PMID: 23975875). In summary, the currently available evidence indicates that the variant is pathogenic, but additional data are needed to prove that conclusively. Therefore, this variant has been classified as Likely Pathogenic.

Literature cited by the submitters: PubMed 25589632 (cited by Labcorp Genetics (formerly Invitae), Labcorp); PubMed 23975875 (cited by Labcorp Genetics (formerly Invitae), Labcorp).